The following is an entry in ClinVar:

NM_001042492.3(NF1):c.3245G>A (p.Gly1082Asp)

Gene: NF1 (neurofibromin 1; plus strand). Cytogenetic location: 17q11.2.
Variant type: single nucleotide variant.
Coding change: c.3245G>A on transcript NM_001042492.3 (MANE Select); coding-DNA position 3245, G replaced by A.
Protein change: p.Gly1082Asp; replaces glycine 1082 with aspartic acid.
Molecular consequence: missense variant.
Genome position (GRCh38, 1-based): chr17:31,232,120, G>A. VCF-style: chr17-31232120-G-A. GRCh37 (hg19) VCF-style: chr17-29559138-G-A.
Other names: c.3245G>A, p.Gly1082Asp (NM_000267.4); short protein forms G1082D.
Identifiers: ClinVar variation 2847303 (VCV002847303.5), dbSNP rs1555614839, ClinGen allele CA398988780.

ClinVar aggregate classification (germline): Uncertain significance. Review status: criteria provided, multiple submitters, no conflicts (2 of 4 stars). 3 submissions from 3 submitters: Uncertain significance (3). Last evaluated 2023-11-15.

Conditions:
Hereditary cancer-predisposing syndrome. Also called: Hereditary Cancer Syndrome; Hereditary neoplastic syndrome; Neoplastic Syndromes, Hereditary; Tumor predisposition. Identifiers: Orphanet 140162, MedGen C0027672, MeSH D009386, MONDO:0015356.
Cardiovascular phenotype. Identifiers: MedGen CN230736.
Neurofibromatosis, type 1 (NF1). Also called: Neurofibromatosis, type I; VON RECKLINGHAUSEN DISEASE; NEUROFIBROMATOSIS, TYPE I, SOMATIC; Peripheral type neurofibromatosis. Identifiers: Orphanet 636, MedGen C0027831, MONDO:0018975, OMIM 162200. Disease mechanism: loss of function.

Allele frequency attached by ClinVar (database versions not stated): gnomAD 0.00001.
gnomAD v4.1: 1 of 1,600,964 alleles (0.000062%); highest among the groups gnomAD compares: Admixed American, 0.0017%; no homozygotes.

Submissions (3):

Ambry Genetics
Classification: Uncertain significance for Cardiovascular phenotype; Hereditary cancer-predisposing syndrome. Last evaluated: 2023-11-15. Review status: criteria provided, single submitter. Criteria: Ambry Variant Classification Scheme 2023. Collection method: clinical testing. Allele origin: germline.
Comment: The p.G1082D variant (also known as c.3245G>A), located in coding exon 25 of the NF1 gene, results from a G to A substitution at nucleotide position 3245. The glycine at codon 1082 is replaced by aspartic acid, an amino acid with similar properties. This amino acid position is conserved. In addition, the in silico prediction for this alteration is inconclusive. Since supporting evidence is limited at this time, the clinical significance of this alteration remains unclear.

GeneDx
Classification: Uncertain significance. Last evaluated: 2023-05-26. Review status: criteria provided, single submitter. Criteria: GeneDx Variant Classification Process June 2021. Collection method: clinical testing. Allele origin: germline. Affected: yes.
Comment: Not observed at significant frequency in large population cohorts (gnomAD); In silico analysis supports that this missense variant has a deleterious effect on protein structure/function; Has not been previously published as pathogenic or benign to our knowledge; This variant is associated with the following publications: (PMID: 25486365, 2121369)

Labcorp Genetics (formerly Invitae), Labcorp
Classification: Uncertain significance for Neurofibromatosis, type 1. Last evaluated: 2023-03-19. Review status: criteria provided, single submitter. Criteria: Invitae Variant Classification Sherloc (09022015). Collection method: clinical testing. Allele origin: germline.
Comment: This variant is not present in population databases (gnomAD no frequency). In summary, the available evidence is currently insufficient to determine the role of this variant in disease. Therefore, it has been classified as a Variant of Uncertain Significance. Advanced modeling of protein sequence and biophysical properties (such as structural, functional, and spatial information, amino acid conservation, physicochemical variation, residue mobility, and thermodynamic stability) has been performed at Invitae for this missense variant, however the output from this modeling did not meet the statistical confidence thresholds required to predict the impact of this variant on NF1 protein function. This variant has not been reported in the literature in individuals affected with NF1-related conditions. This sequence change replaces glycine, which is neutral and non-polar, with aspartic acid, which is acidic and polar, at codon 1082 of the NF1 protein (p.Gly1082Asp).